The following is an entry in ClinVar:

NM_002190.3(IL17A):c.27+18G>A

Gene: IL17A (interleukin 17A; plus strand). Cytogenetic location: 6p12.2.
Variant type: single nucleotide variant.
Coding change: c.27+18G>A on transcript NM_002190.3 (MANE Select); 18 bases into the intron after coding-DNA position 27, G replaced by A.
Molecular consequence: intron variant.
Genome position (GRCh38, 1-based): chr6:52,186,476, G>A. VCF-style: chr6-52186476-G-A. GRCh37 (hg19) VCF-style: chr6-52051274-G-A.
Identifiers: ClinVar variation 1273159 (VCV001273159.3), dbSNP rs3819025, ClinGen allele CA3854192.

ClinVar aggregate classification (germline): Benign. Review status: criteria provided, multiple submitters, no conflicts (2 of 4 stars). 2 submissions from 2 submitters: Benign (2). Last evaluated 2024-01-24.

Allele frequency attached by ClinVar (database versions not stated): ESP Exome Variant Server 0.06059; gnomAD exomes 0.07169 and 0.12814; gnomAD 0.08284 and 0.08911; TOPMed 0.10712; ExAC 0.11662; 1000 Genomes Project 30x 0.16240; 1000 Genomes Project 0.16374.
gnomAD v4.1: 118,651 of 1,612,372 alleles (7.4%); highest among the groups gnomAD compares: Admixed American, 38%; 9,286 homozygotes.

Submissions (2):

Unidad de Genómica Garrahan, Hospital de Pediatría Garrahan
Classification: Benign. Last evaluated: 2024-01-24. Review status: criteria provided, single submitter. Criteria: ACMG Guidelines, 2015. Collection method: clinical testing. Allele origin: germline. Affected: no. Observed: 56 variant alleles.
Comment: This variant is classified as Benign based on local population frequency. This variant was detected in 59% of patients studied by a panel of primary immunodeficiencies. Number of patients: 56. Only high quality variants are reported.

GeneDx
Classification: Benign. Last evaluated: 2018-11-12. Review status: criteria provided, single submitter. Criteria: GeneDx Variant Classification Process June 2021. Collection method: clinical testing. Allele origin: germline. Affected: yes.